The following is an entry in ClinVar:

ClinVar aggregate classification (germline): Likely benign (1 of 4 stars; one submission).

Conditions:
Malignant hyperthermia, susceptibility to, 1 (MHS1). Also called: Anesthesia related hyperthermia; Malignant hyperpyrexia; Fulminating hyperpyrexia; Pharmacogenic myopathy; RYR1-Related Malignant Hyperthermia Susceptibility; Malignant hyperthermia suceptibility 1. Identifiers: Orphanet 423, MedGen C2930980, MONDO:0007783, OMIM 145600.

Allele frequency attached by ClinVar (database versions not stated): gnomAD exomes 0.00001; ExAC 0.00002.
gnomAD v4.1: 8 of 1,609,968 alleles (0.0005%); highest among the groups gnomAD compares: South Asian, 0.0088%; no homozygotes.

Submission:

All of Us Research Program, National Institutes of Health
Classification: Likely benign for Malignant hyperthermia, susceptibility to, 1. Last evaluated: 2023-09-17. Review status: criteria provided, single submitter. Criteria: ACMG Guidelines, 2015. Collection method: clinical testing. Allele origin: germline. Inheritance: Autosomal dominant inheritance. Observed: 1 variant allele, 1 heterozygote.
Comment: This study involves interpretation of variants in research participants for the purpose of population health screening. Participant phenotype was not available at the time of variant classification. Additional details can be found in publication PMID: 35346344, PMCID: PMC8962531

NM_000540.3(RYR1):c.817C>T (p.Leu273=)

Gene: RYR1 (ryanodine receptor 1; plus strand). Cytogenetic location: 19q13.2.
Variant type: single nucleotide variant.
Coding change: c.817C>T on transcript NM_000540.3 (MANE Select); coding-DNA position 817, C replaced by T.
Protein change: p.Leu273=; no amino-acid change (leucine 273 retained).
Molecular consequence: synonymous variant.
Genome position (GRCh38, 1-based): chr19:38,448,371, C>T. VCF-style: chr19-38448371-C-T. GRCh37 (hg19) VCF-style: chr19-38939011-C-T.
Other names: c.817C>T, p.Leu273= (NM_001042723.2).
Identifiers: ClinVar variation 3073487 (VCV003073487.1), dbSNP rs746485936, ClinGen allele CA071604.